The following is an entry in ClinVar:

NM_001081.4(CUBN):c.10609T>G (p.Cys3537Gly)

Gene: CUBN (cubilin; minus strand). Cytogenetic location: 10p13.
Variant type: single nucleotide variant.
Coding change: c.10609T>G on transcript NM_001081.4 (MANE Select); coding-DNA position 10609, T replaced by G.
Protein change: p.Cys3537Gly; replaces cysteine 3537 with glycine.
Molecular consequence: missense variant.
Genome position (GRCh38, 1-based): chr10:16,828,960, A>C on the plus strand (T>G on the coding strand, the complement: CUBN is on the minus strand). VCF-style: chr10-16828960-A-C. GRCh37 (hg19) VCF-style: chr10-16870959-A-C.
Other names: short protein forms C3537G.
Identifiers: ClinVar variation 5010157 (VCV005010157.1).

ClinVar aggregate classification (germline): Likely pathogenic (1 of 4 stars; one submission).

Conditions:
Proteinuria, chronic benign. Identifiers: MedGen C5394384, MONDO:0030042, OMIM 618884.

gnomAD v4.1: 1 of 1,614,180 alleles (0.000062%); highest among the groups gnomAD compares: Non-Finnish European, 0.000085%; no homozygotes.

Submission:

MVZ Medizinische Genetik Mainz
Classification: Likely pathogenic for Proteinuria, chronic benign. Last evaluated: 2026-08-20. Review status: criteria provided, single submitter. Criteria: UK Practice Guidelines For Variant Classification V4 01 2020. Collection method: clinical testing. Allele origin: germline. Inheritance: Autosomal recessive inheritance. Affected: yes. Observed: 1 variant allele.
Comment: ACMG Criteria: PM1_STR,PM2_SUP,PP3